The following is an entry in ClinVar:

ClinVar aggregate classification (germline): Uncertain significance (1 of 4 stars; one submission).

Conditions:
Hereditary cancer-predisposing syndrome. Also called: Neoplastic Syndromes, Hereditary; Tumor predisposition; Hereditary neoplastic syndrome; Hereditary Cancer Syndrome. Identifiers: Orphanet 140162, MedGen C0027672, MeSH D009386, MONDO:0015356.

Submission:

Ambry Genetics
Classification: Uncertain significance for Hereditary cancer-predisposing syndrome. Last evaluated: 2026-07-06. Review status: criteria provided, single submitter. Criteria: Ambry Variant Classification Scheme 2023. Collection method: clinical testing. Allele origin: germline.
Comment: The p.D957E variant (also known as c.2871C>A), located in coding exon 14 of the BLM gene, results from a C to A substitution at nucleotide position 2871. The aspartic acid at codon 957 is replaced by glutamic acid, an amino acid with highly similar properties. This amino acid position is conserved. In addition, the in silico prediction for this alteration is inconclusive. Based on the available evidence, the clinical significance of this variant remains unclear.

NM_000057.4(BLM):c.2871C>A (p.Asp957Glu)

Gene: BLM (BLM RecQ like helicase; plus strand). Cytogenetic location: 15q26.1.
Variant type: single nucleotide variant.
Coding change: c.2871C>A on transcript NM_000057.4 (MANE Select); coding-DNA position 2871, C replaced by A.
Protein change: p.Asp957Glu; replaces aspartic acid 957 with glutamic acid.
Molecular consequence: missense variant.
Genome position (GRCh38, 1-based): chr15:90,790,696, C>A. VCF-style: chr15-90790696-C-A. GRCh37 (hg19) VCF-style: chr15-91333926-C-A.
Other names: c.2871C>A, p.Asp957Glu (NM_001287246.2, NM_001287247.2); c.1746C>A, p.Asp582Glu (NM_001287248.2); short protein forms D582E, D957E.
Identifiers: ClinVar variation 5032881 (VCV005032881.1).